The following is an entry in ClinVar:

NM_032638.5(GATA2):c.98A>G (p.Tyr33Cys)

Gene: GATA2 (GATA binding protein 2; minus strand). Cytogenetic location: 3q21.3.
Variant type: single nucleotide variant.
Coding change: c.98A>G on transcript NM_032638.5 (MANE Select); coding-DNA position 98, A replaced by G.
Protein change: p.Tyr33Cys; replaces tyrosine 33 with cysteine.
Molecular consequence: missense variant.
Genome position (GRCh38, 1-based): chr3:128,486,934, T>C on the plus strand (A>G on the coding strand, the complement: GATA2 is on the minus strand). VCF-style: chr3-128486934-T-C. GRCh37 (hg19) VCF-style: chr3-128205777-T-C.
Other names: c.98A>G, p.Tyr33Cys (NM_001145661.2, NM_001145662.1); short protein forms Y33C.
Identifiers: ClinVar variation 1957136 (VCV001957136.5), dbSNP rs2472934745, ClinGen allele CA354408902.
Genomic context (GRCh38, chr3:128,486,934, plus strand): 5'-TCGAGGTGATTGAAGAAGACGTCCACCTCGTCTGGAGGCAGCAGCTGCGCGGGTTCCATG[T>C]AGTTGTGCGCCAGGCCCGGGTGGTGTGAGTCGGGGTGCTGCGCATTCAGCACGGCCGGGT-3'
Protein context (NP_116027.2, residues 23-43): DSHHPGLAHN[Tyr33Cys]MEPAQLLPPD

ClinVar aggregate classification (germline): Uncertain significance (1 of 4 stars; one submission).

Conditions:
Monocytopenia with susceptibility to infections. Also called: MONOCYTOPENIA AND MYCOBACTERIAL INFECTION SYNDROME; MONOCYTOPENIA WITH SUSCEPTIBILITY TO MYCOBACTERIAL, FUNGAL, AND PAPILLOMAVIRUS INFECTIONS AND MYELODYSPLASIA; COMBINED IMMUNODEFICIENCY WITH SUSCEPTIBILITY TO MYCOBACTERIAL, VIRAL, AND FUNGAL INFECTIONS; Dendritic cell, monocyte, B lymphocyte, and natural killer lymphocyte deficiency; GATA2 DEFICIENCY; IMMUNODEFICIENCY 21. Identifiers: Orphanet 228423, MedGen C3280030, MONDO:0013607, OMIM 614172.
Deafness-lymphedema-leukemia syndrome. Also called: Lymphedema, primary, with myelodysplasia; Emberger syndrome. Identifiers: Orphanet 3226, MedGen C3279664, MONDO:0013540, OMIM 614038.

Allele frequency attached by ClinVar (database versions not stated): gnomAD exomes below 0.00001.

Submission:

Labcorp Genetics (formerly Invitae), Labcorp
Classification: Uncertain significance for Monocytopenia with susceptibility to infections; Deafness-lymphedema-leukemia syndrome. Last evaluated: 2022-07-15. Review status: criteria provided, single submitter. Criteria: Invitae Variant Classification Sherloc (09022015). Collection method: clinical testing. Allele origin: germline.
Comment: This sequence change replaces tyrosine, which is neutral and polar, with cysteine, which is neutral and slightly polar, at codon 33 of the GATA2 protein (p.Tyr33Cys). This variant is not present in population databases (gnomAD no frequency). This variant has not been reported in the literature in individuals affected with GATA2-related conditions. Advanced modeling of protein sequence and biophysical properties (such as structural, functional, and spatial information, amino acid conservation, physicochemical variation, residue mobility, and thermodynamic stability) performed at Invitae indicates that this missense variant is expected to disrupt GATA2 protein function. In summary, the available evidence is currently insufficient to determine the role of this variant in disease. Therefore, it has been classified as a Variant of Uncertain Significance.